The following is an entry in ClinVar:

ClinVar aggregate classification (germline): Uncertain significance (1 of 4 stars; one submission).

gnomAD v4.1: 1 of 1,614,128 alleles (0.000062%); highest among the groups gnomAD compares: Non-Finnish European, 0.000085%; no homozygotes.

Submission:

Labcorp Genetics (formerly Invitae), Labcorp
Classification: Uncertain significance. Last evaluated: 2022-10-01. Review status: criteria provided, single submitter. Criteria: Invitae Variant Classification Sherloc (09022015). Collection method: clinical testing. Allele origin: germline.
Comment: Algorithms developed to predict the effect of missense changes on protein structure and function (SIFT, PolyPhen-2, Align-GVGD) all suggest that this variant is likely to be tolerated. In summary, the available evidence is currently insufficient to determine the role of this variant in disease. Therefore, it has been classified as a Variant of Uncertain Significance. This variant has not been reported in the literature in individuals affected with DLL1-related conditions. This variant is not present in population databases (gnomAD no frequency). This sequence change replaces proline, which is neutral and non-polar, with alanine, which is neutral and non-polar, at codon 692 of the DLL1 protein (p.Pro692Ala).

NM_005618.4(DLL1):c.2074C>G (p.Pro692Ala)

Genes: DLL1 (delta like canonical Notch ligand 1; minus strand), LOC126859913 (P300/CBP strongly-dependent group 1 enhancer GRCh37_chr6:170591232-170592431; plus strand). Cytogenetic location: 6q27.
Variant type: single nucleotide variant.
Coding change: c.2074C>G on transcript NM_005618.4 (MANE Select); coding-DNA position 2074, C replaced by G.
Protein change: p.Pro692Ala; replaces proline 692 with alanine.
Molecular consequence: missense variant.
Genome position (GRCh38, 1-based): chr6:170,283,080, G>C on the plus strand (C>G on the coding strand, the complement: DLL1 is on the minus strand). VCF-style: chr6-170283080-G-C. GRCh37 (hg19) VCF-style: chr6-170592168-G-C.
Other names: short protein forms P692A.
Identifiers: ClinVar variation 1720797 (VCV001720797.6), dbSNP rs933645429, ClinGen allele CA366505934.